The following is an entry in ClinVar:

ClinVar aggregate classification (germline): Benign. Review status: criteria provided, multiple submitters, no conflicts (2 of 4 stars). 3 submissions from 3 submitters: Benign (3). Last evaluated 2026-01-26.

Conditions:
Nystagmus 1, congenital, X-linked. Also called: NYSTAGMUS 1, INFANTILE, X-LINKED; NYSTAGMUS, CONGENITAL MOTOR, 1; NYSTAGMUS, INFANTILE IDIOPATHIC; NYSTAGMUS, INFANTILE PERIODIC ALTERNATING, X-LINKED; FRMD7-Related Infantile Nystagmus. Identifiers: MedGen C1839580, MONDO:0010693, OMIM 310700.

Allele frequency attached by ClinVar (database versions not stated): gnomAD 0.00249 and 0.00271; TOPMed 0.00411; ExAC 0.00449; 1000 Genomes Project 0.00583; 1000 Genomes Project 30x 0.00583.
gnomAD v4.1: 1,891 of 1,209,889 alleles (0.16%); highest among the groups gnomAD compares: Admixed American, 3.1%; 31 homozygotes.

Submissions (3):

Labcorp Genetics (formerly Invitae), Labcorp
Classification: Benign. Last evaluated: 2026-01-26. Review status: criteria provided, single submitter. Criteria: Invitae Variant Classification Sherloc (09022015). Collection method: clinical testing. Allele origin: germline.

Illumina Laboratory Services, Illumina
Classification: Benign for Nystagmus 1, congenital, X-linked. Last evaluated: 2018-01-13. Review status: criteria provided, single submitter. Criteria: ICSL Variant Classification Criteria 13 December 2019. Collection method: clinical testing. Allele origin: germline.
Comment: This variant was observed in the ICSL laboratory as part of a predisposition screen in an ostensibly healthy population. It had not been previously curated by ICSL or reported in the Human Gene Mutation Database (HGMD: prior to June 1st, 2018), and was therefore a candidate for classification through an automated scoring system. Utilizing variant allele frequency, disease prevalence and penetrance estimates, and inheritance mode, an automated score was calculated to assess if this variant is too frequent to cause the disease. Based on the score and internal cut-off values, a variant classified as benign is not then subjected to further curation. The score for this variant resulted in a classification of benign for this disease.

Breakthrough Genomics
Classification: Benign. Review status: criteria provided, single submitter. Criteria: ACMG Guidelines, 2015. Collection method: not provided. Allele origin: germline. Inheritance: X-linked inheritance. Affected: yes.

NM_194277.3(FRMD7):c.1473G>T (p.Met491Ile)

Gene: FRMD7 (FERM domain containing 7; minus strand). Cytogenetic location: Xq26.2.
Variant type: single nucleotide variant.
Coding change: c.1473G>T on transcript NM_194277.3 (MANE Select); coding-DNA position 1473, G replaced by T.
Protein change: p.Met491Ile; replaces methionine 491 with isoleucine.
Molecular consequence: missense variant.
Genome position (GRCh38, 1-based): chrX:132,078,544, C>A on the plus strand (G>T on the coding strand, the complement: FRMD7 is on the minus strand). VCF-style: chrX-132078544-C-A. GRCh37 (hg19) VCF-style: chrX-131212572-C-A.
Other names: c.1428G>T, p.Met476Ile (NM_001306193.2); short protein forms M491I, M476I.
Identifiers: ClinVar variation 367908 (VCV000367908.16), dbSNP rs181962233, ClinGen allele CA10518861.
Genomic context (GRCh38, chrX:132,078,544, plus strand): 5'-AATTGGGGACCATCTGGGCACCTGGGGTGGCTTGTCCACATAAAAAAAGACCTGGGGAGG[C>A]ATAATACCAACCTGCTGACCTGTACAAGGAATATAGGGCACATCCGTGTAAGTTAGCTGC-3'
Protein context (NP_919253.1, residues 481-501): IPCTGQQVGI[Met491Ile]PPQVFFYVDK